The following is an entry in ClinVar:

ClinVar aggregate classification (germline): Uncertain significance. Review status: criteria provided, multiple submitters, no conflicts (2 of 4 stars). 2 submissions from 2 submitters: Uncertain significance (2). Last evaluated 2026-01-01.

Allele frequency attached by ClinVar (database versions not stated): gnomAD 0.00001; gnomAD exomes 0.00001; ExAC 0.00002; TOPMed 0.00004.
gnomAD v4.1: 16 of 1,613,940 alleles (0.00099%); highest among the groups gnomAD compares: Admixed American, 0.015%; no homozygotes.

Submissions (2):

CeGaT Center for Human Genetics Tuebingen
Classification: Uncertain significance. Last evaluated: 2026-01-01. Review status: criteria provided, single submitter. Criteria: CeGaT Center For Human Genetics Tuebingen Variant Classification Criteria Version 2. Collection method: clinical testing. Allele origin: germline. Affected: yes. Observed: 1 variant allele.
Comment: FBN3: PM2, BP4

Labcorp Genetics (formerly Invitae), Labcorp
Classification: Uncertain significance. Last evaluated: 2025-03-05. Review status: criteria provided, single submitter. Criteria: Invitae Variant Classification Sherloc (09022015). Collection method: clinical testing. Allele origin: germline.
Comment: This sequence change falls in intron 38 of the FBN3 gene. It does not directly change the encoded amino acid sequence of the FBN3 protein. It affects a nucleotide within the consensus splice site. This variant is present in population databases (rs745440545, gnomAD 0.02%). This variant has not been reported in the literature in individuals affected with FBN3-related conditions. ClinVar contains an entry for this variant (Variation ID: 1903041). Variants that disrupt the consensus splice site are a relatively common cause of aberrant splicing (PMID: 17576681, 9536098). Algorithms developed to predict the effect of sequence changes on RNA splicing suggest that this variant is not likely to affect RNA splicing. In summary, the available evidence is currently insufficient to determine the role of this variant in disease. Therefore, it has been classified as a Variant of Uncertain Significance.

Literature cited by the submitters: PubMed 17576681 (cited by Labcorp Genetics (formerly Invitae), Labcorp); PubMed 9536098 (cited by Labcorp Genetics (formerly Invitae), Labcorp).

NM_032447.5(FBN3):c.4813+3G>A

Gene: FBN3 (fibrillin 3; minus strand). Cytogenetic location: 19p13.2.
Variant type: single nucleotide variant.
Coding change: c.4813+3G>A on transcript NM_032447.5 (MANE Select); 3 bases into the intron after coding-DNA position 4813, G replaced by A.
Molecular consequence: intron variant.
Genome position (GRCh38, 1-based): chr19:8,106,105, C>T on the plus strand (G>A on the coding strand, the complement: FBN3 is on the minus strand). VCF-style: chr19-8106105-C-T. GRCh37 (hg19) VCF-style: chr19-8170989-C-T.
Other names: c.4813+3G>A (NM_001321431.2).
Identifiers: ClinVar variation 1903041 (VCV001903041.9), dbSNP rs745440545, ClinGen allele CA9151919.